The following is an entry in ClinVar:

NM_001126108.2(SLC12A3):c.443T>C (p.Leu148Pro)

Gene: SLC12A3 (solute carrier family 12 member 3; plus strand). Cytogenetic location: 16q13.
Variant type: single nucleotide variant.
Coding change: c.443T>C on transcript NM_001126108.2 (MANE Select); coding-DNA position 443, T replaced by C.
Protein change: p.Leu148Pro; replaces leucine 148 with proline.
Molecular consequence: missense variant.
Genome position (GRCh38, 1-based): chr16:56,868,310, T>C. VCF-style: chr16-56868310-T-C. GRCh37 (hg19) VCF-style: chr16-56902222-T-C.
Other names: c.443T>C, p.Leu148Pro (NM_000339.3); c.440T>C, p.Leu147Pro (NM_001126107.2, NM_001410896.1); short protein forms L147P, L148P.
Identifiers: ClinVar variation 4535832 (VCV004535832.2).

ClinVar aggregate classification (germline): Uncertain significance (1 of 4 stars; one submission).

gnomAD v4.1: 5 of 1,614,072 alleles (0.00031%); highest among the groups gnomAD compares: Non-Finnish European, 0.00034%; no homozygotes.

Submission:

Women's Health and Genetics/Laboratory Corporation of America, LabCorp
Classification: Uncertain significance. Last evaluated: 2026-05-04. Review status: criteria provided, single submitter. Criteria: LabCorp Variant Classification Summary - May 2015. Collection method: clinical testing. Allele origin: germline.
Comment: Variant summary: SLC12A3 c.443T>C (p.Leu148Pro) results in a non-conservative amino acid change in the encoded protein sequence. Algorithms developed to predict the effect of missense changes on protein structure and function all suggest that this variant is likely to be disruptive. The variant was absent in 250866 control chromosomes. The available data on variant occurrences in the general population are insufficient to allow any conclusion about variant significance. c.443T>C has been observed in a direct sequencing of this gene in individuals affected with Gitelman Syndrome (Vargas-Poussou_2011). These report(s) do not provide unequivocal conclusions about association of the variant with Familial Hypokalemia-Hypomagnesemia. To our knowledge, no experimental evidence demonstrating an impact on protein function has been reported. The following publication have been ascertained in the context of this evaluation (PMID: 21415153). ClinVar contains an entry for this variant (Variation ID: 4535832). Based on the evidence outlined above, the variant was classified as uncertain significance.

Literature cited by the submitters: PubMed 21415153.